The following is an entry in ClinVar:

ClinVar aggregate classification (germline): Uncertain significance. Review status: criteria provided, multiple submitters, no conflicts (2 of 4 stars). 2 submissions from 2 submitters: Uncertain significance (2). Last evaluated 2017-06-06.

Conditions:
Cardiovascular phenotype. Identifiers: MedGen CN230736.

Allele frequency attached by ClinVar (database versions not stated): gnomAD exomes below 0.00001.

Submissions (2):

Ambry Genetics
Classification: Uncertain significance for Cardiovascular phenotype. Last evaluated: 2017-06-06. Review status: criteria provided, single submitter. Criteria: Ambry Variant Classification Scheme 2023. Collection method: clinical testing. Allele origin: germline.
Comment: The p.M1? variant (also known as c.2T>C), located in coding exon 1 of the KCNJ2 gene, results from a T to C substitution at nucleotide position 2. This alters the methionine residue at the initiation codon. Variations that modify the initiation codon (ATG) are expected to result in either loss of translation initiation, N-terminal truncation, or cause a shift in the mRNA reading frame; however there are alternate in-frame methionines 18 and 23 amino acids from the initiation site and the significance of the N-terminus for this protein is not well established. Since supporting evidence is limited at this time, the clinical significance of this alteration remains unclear.

GeneDx
Classification: Uncertain significance. Last evaluated: 2015-05-11. Review status: criteria provided, single submitter. Criteria: GeneDx Variant Classification (06012015). Collection method: clinical testing. Allele origin: germline. Affected: yes.
Comment: p.Met1? (ATG>ACG): c.2 T>C in exon 2 of the KCNJ2 gene (NM_000891.2). A variant of unknown significance has been identified in the KCNJ2 gene. The c.2 T>C variant has not been published as a mutation or reported as a benign polymorphism to our knowledge. This sequence variant alters the initiator Methionine residue and the resultant protein could be described as p.Met1?" using a question mark to signify that it is not known if the loss of Met1 means that all protein translation is completely prevented or if an abnormal protein is produced using an alternate Met. In silico analysis predicts this variant is probably damaging to the protein structure/function. Furthermore, c.2 T>C was not observed in approximately 6,500 individuals of European and African American ancestry in the NHLBI Exome Sequencing Project, indicating it is not a common benign variant in these populations. However, the majority of mutations reported in KCNJ2 are missense mutations.Therefore, based on the currently available information, it is unclear whether this variant is a pathogenic mutation or a rare benign variant. The variant is found in ARRHYTHMIA panel(s)."

NM_000891.3(KCNJ2):c.2T>C (p.Met1Thr)

Gene: KCNJ2 (potassium inwardly rectifying channel subfamily J member 2; plus strand). Cytogenetic location: 17q24.3.
Variant type: single nucleotide variant.
Coding change: c.2T>C on transcript NM_000891.3 (MANE Select); coding-DNA position 2, T replaced by C.
Protein change: p.Met1Thr; changes the start codon (methionine 1).
Molecular consequence: missense variant, initiator codon variant.
Genome position (GRCh38, 1-based): chr17:70,175,041, T>C. VCF-style: chr17-70175041-T-C. GRCh37 (hg19) VCF-style: chr17-68171182-T-C.
Other names: p.M1T:ATG>ACG; short protein forms M1T.
Identifiers: ClinVar variation 190805 (VCV000190805.5), dbSNP rs786205810, ClinGen allele CA302009.